The following is an entry in ClinVar:

NM_001206927.2(DNAH8):c.2140-20C>G

Gene: DNAH8 (dynein axonemal heavy chain 8; plus strand). Cytogenetic location: 6p21.2.
Variant type: single nucleotide variant.
Coding change: c.2140-20C>G on transcript NM_001206927.2 (MANE Select); 20 bases into the intron before coding-DNA position 2140, C replaced by G.
Molecular consequence: intron variant.
Genome position (GRCh38, 1-based): chr6:38,781,234, C>G. VCF-style: chr6-38781234-C-G. GRCh37 (hg19) VCF-style: chr6-38749010-C-G.
Other names: c.1489-20C>G (NM_001371.4).
Identifiers: ClinVar variation 2143315 (VCV002143315.4), dbSNP rs2532348047, ClinGen allele CA2580074463.

ClinVar aggregate classification (germline): Uncertain significance (1 of 4 stars; one submission).

Conditions:
Primary ciliary dyskinesia. Also called: Ciliary dyskinesia. Identifiers: Orphanet 244, MedGen C0008780, MONDO:0016575, HP:0012265.

Submission:

Labcorp Genetics (formerly Invitae), Labcorp
Classification: Uncertain significance for Primary ciliary dyskinesia. Last evaluated: 2022-08-12. Review status: criteria provided, single submitter. Criteria: Invitae Variant Classification Sherloc (09022015). Collection method: clinical testing. Allele origin: germline.
Comment: This variant has not been reported in the literature in individuals affected with DNAH8-related conditions. This variant is not present in population databases (gnomAD no frequency). This sequence change falls in intron 15 of the DNAH8 gene. It does not directly change the encoded amino acid sequence of the DNAH8 protein. In summary, the available evidence is currently insufficient to determine the role of this variant in disease. Therefore, it has been classified as a Variant of Uncertain Significance. Algorithms developed to predict the effect of sequence changes on RNA splicing suggest that this variant may disrupt the consensus splice site.